The following is an entry in ClinVar:

ClinVar aggregate classification (germline): Uncertain significance (1 of 4 stars; one submission).

Submission:

GeneDx
Classification: Uncertain significance. Last evaluated: 2022-04-29. Review status: criteria provided, single submitter. Criteria: GeneDx Variant Classification Process June 2021. Collection method: clinical testing. Allele origin: germline. Affected: yes.
Comment: Not observed at significant frequency in large population cohorts (gnomAD); Nonsense variant predicted to result in protein truncation or nonsense mediated decay in a gene or region of a gene for which loss of function is not a well-established mechanism of disease; Has not been previously published as pathogenic or benign to our knowledge; Variants in candidate genes are classified as variants of uncertain significance in accordance with ACMG guidelines (Richards et al., 2015)

NM_001395159.1(UNC79):c.2078C>A (p.Ser693Ter)

Gene: UNC79 (unc-79 homolog, NALCN channel complex subunit; plus strand). Cytogenetic location: 14q32.12.
Variant type: single nucleotide variant.
Coding change: c.2078C>A on transcript NM_001395159.1 (MANE Select); coding-DNA position 2078, C replaced by A.
Protein change: p.Ser693Ter; replaces serine 693 with a stop codon.
Molecular consequence: nonsense.
Genome position (GRCh38, 1-based): chr14:93,575,065, C>A. VCF-style: chr14-93575065-C-A. GRCh37 (hg19) VCF-style: chr14-94041411-C-A.
Other names: c.2078C>A, p.Ser693Ter (NM_001346218.2); c.1547C>A, p.Ser516Ter (NM_020818.5); short protein forms S516*, S693*.
Identifiers: ClinVar variation 2571821 (VCV002571821.1), dbSNP rs143259547, ClinGen allele CA390800961.